The following is an entry in ClinVar:

NM_005334.3(HCFC1):c.3443G>A (p.Arg1148Gln)

Gene: HCFC1 (host cell factor C1; minus strand). Cytogenetic location: Xq28.
Variant type: single nucleotide variant.
Coding change: c.3443G>A on transcript NM_005334.3 (MANE Select); coding-DNA position 3443, G replaced by A.
Protein change: p.Arg1148Gln; replaces arginine 1148 with glutamine.
Molecular consequence: missense variant.
Genome position (GRCh38, 1-based): chrX:153,954,956, C>T on the plus strand (G>A on the coding strand, the complement: HCFC1 is on the minus strand). VCF-style: chrX-153954956-C-T. GRCh37 (hg19) VCF-style: chrX-153220407-C-T.
Other names: c.3443G>A, p.Arg1148Gln (NM_001410705.1); short protein forms R1148Q.
Identifiers: ClinVar variation 2725281 (VCV002725281.1), dbSNP rs372862114, ClinGen allele CA10557188.

ClinVar aggregate classification (germline): Uncertain significance (1 of 4 stars; one submission).

Conditions:
Methylmalonic acidemia with homocystinuria, type cblX (MAHCX). Also called: INTELLECTUAL DEVELOPMENTAL DISORDER, X-LINKED 3. Identifiers: Orphanet 369962, MedGen C0796208, MONDO:0010657, OMIM 309541.

Allele frequency attached by ClinVar (database versions not stated): TOPMed below 0.00001; gnomAD exomes 0.00001; gnomAD 0.00002; ExAC 0.00003; ESP Exome Variant Server 0.00010; 1000 Genomes Project 0.00026; 1000 Genomes Project 30x 0.00042.
gnomAD v4.1: 16 of 1,199,198 alleles (0.0013%); highest among the groups gnomAD compares: East Asian, 0.003%; no homozygotes.

Submission:

Labcorp Genetics (formerly Invitae), Labcorp
Classification: Uncertain significance for Methylmalonic acidemia with homocystinuria, type cblX. Last evaluated: 2023-10-05. Review status: criteria provided, single submitter. Criteria: Invitae Variant Classification Sherloc (09022015). Collection method: clinical testing. Allele origin: germline.
Comment: This sequence change replaces arginine, which is basic and polar, with glutamine, which is neutral and polar, at codon 1148 of the HCFC1 protein (p.Arg1148Gln). The frequency data for this variant in the population databases is considered unreliable, as metrics indicate poor data quality at this position in the gnomAD database. This variant has not been reported in the literature in individuals affected with HCFC1-related conditions. Algorithms developed to predict the effect of missense changes on protein structure and function output the following: SIFT: "Not Available"; PolyPhen-2: "Benign"; Align-GVGD: "Not Available". The glutamine amino acid residue is found in multiple mammalian species, which suggests that this missense change does not adversely affect protein function. In summary, the available evidence is currently insufficient to determine the role of this variant in disease. Therefore, it has been classified as a Variant of Uncertain Significance.